The following is an entry in ClinVar:

ClinVar aggregate classification (germline): Uncertain significance (1 of 4 stars; one submission).

Submission:

GeneDx
Classification: Uncertain significance. Last evaluated: 2024-01-28. Review status: criteria provided, single submitter. Criteria: GeneDx Variant Classification Process June 2021. Collection method: clinical testing. Allele origin: germline. Affected: yes.
Comment: Not observed at significant frequency in large population cohorts (gnomAD); In silico analysis supports that this missense variant has a deleterious effect on protein structure/function; Has not been previously published as pathogenic or benign to our knowledge

NM_020719.3(PRR12):c.4847C>T (p.Pro1616Leu)

Gene: PRR12 (proline rich 12; plus strand). Cytogenetic location: 19q13.33.
Variant type: single nucleotide variant.
Coding change: c.4847C>T on transcript NM_020719.3 (MANE Select); coding-DNA position 4847, C replaced by T.
Protein change: p.Pro1616Leu; replaces proline 1616 with leucine.
Molecular consequence: missense variant.
Genome position (GRCh38, 1-based): chr19:49,614,606, C>T. VCF-style: chr19-49614606-C-T. GRCh37 (hg19) VCF-style: chr19-50117863-C-T.
Other names: short protein forms P1616L.
Identifiers: ClinVar variation 3368476 (VCV003368476.1).